The following is an entry in ClinVar:

ClinVar aggregate classification (germline): Benign. Review status: criteria provided, multiple submitters, no conflicts (2 of 4 stars). 3 submissions from 3 submitters: Benign (3). Last evaluated 2026-07-01.

Conditions:
Glycogen storage disease, type II (IOPD). Also called: Pompe Disease; CARDIOMEGALIA GLYCOGENICA DIFFUSA; GLYCOGENOSIS, GENERALIZED, CARDIAC FORM; GSD II; POMPE DISEASE, INFANTILE-ONSET; GLYCOGEN STORAGE DISEASE II, INFANTILE-ONSET. Identifiers: Orphanet 365, MedGen C0017921, MONDO:0009290, OMIM 232300.

Allele frequency attached by ClinVar (database versions not stated): 1000 Genomes Project 30x 0.60322; 1000 Genomes Project 0.60483; TOPMed 0.63763; gnomAD 0.65686 and 0.65707.

Submissions (3):

Genomenon, Inc
Classification: Benign for Glycogen storage disease, type II. Last evaluated: 2026-07-01. Review status: criteria provided, single submitter. Criteria: Genomenon Sequence Variant Interpretation Standards - Updated. Collection method: curation. Allele origin: germline. Affected: no.
Comment: GAA c.547-243C>G is an intronic variant located in intron 2. This variant is present at high allele frequency in population databases. We classify GAA c.547-243C>G as a benign variant.

GeneDx
Classification: Benign. Last evaluated: 2018-06-14. Review status: criteria provided, single submitter. Criteria: GeneDx Variant Classification (06012015). Collection method: clinical testing. Allele origin: germline. Affected: yes.
Comment: This variant is considered likely benign or benign based on one or more of the following criteria: it is a conservative change, it occurs at a poorly conserved position in the protein, it is predicted to be benign by multiple in silico algorithms, and/or has population frequency not consistent with disease.

Breakthrough Genomics
Classification: Benign. Review status: criteria provided, single submitter. Criteria: ACMG Guidelines, 2015. Collection method: not provided. Allele origin: germline. Inheritance: Autosomal recessive inheritance. Affected: yes.

NM_000152.5(GAA):c.547-243C>G

Gene: GAA (alpha glucosidase; plus strand). Cytogenetic location: 17q25.3.
Variant type: single nucleotide variant.
Coding change: c.547-243C>G on transcript NM_000152.5 (MANE Select); 243 bases into the intron before coding-DNA position 547, C replaced by G.
Molecular consequence: intron variant.
Genome position (GRCh38, 1-based): chr17:80,105,506, C>G. VCF-style: chr17-80105506-C-G. GRCh37 (hg19) VCF-style: chr17-78079305-C-G.
Other names: c.547-243C>G (NM_001079803.3, NM_001079804.3).
Identifiers: ClinVar variation 680260 (VCV000680260.3), dbSNP rs8065426, ClinGen allele CA14478720.